The following is an entry in ClinVar:

ClinVar aggregate classification (germline): Conflicting classifications of pathogenicity. Review status: criteria provided, conflicting classifications (1 of 4 stars). 3 submissions from 3 submitters: Uncertain significance (2); Likely benign (1). Last evaluated 2026-06-23.

Conditions:
Cardiovascular phenotype. Identifiers: MedGen CN230736.
JAG1-related disorder. Also called: JAG1-related condition; JAG1-related disorders.
Alagille syndrome due to a JAG1 point mutation. Also called: HEPATIC DUCTULAR HYPOPLASIA, SYNDROMATIC; Alagille Syndrome 1; JAG1-Related Alagille Syndrome. Identifiers: Orphanet 261619, Orphanet 52, MedGen C1956125, MONDO:0016862, OMIM 118450.

gnomAD v4.1: 2 of 1,614,132 alleles (0.00012%); no homozygotes.

Submissions (3):

PreventionGenetics, part of Exact Sciences
Classification: Uncertain significance for JAG1-related condition. Last evaluated: 2026-06-23. Review status: criteria provided, single submitter. Criteria: ACMG Guidelines, 2015. Collection method: clinical testing. Allele origin: germline.
Comment: The JAG1 c.3325G>A variant is predicted to result in the amino acid substitution p.Asp1109Asn. To our knowledge, this variant has not been reported in the literature. This variant is reported in 0.0054% of alleles in individuals of East Asian descent in gnomAD. At this time, the clinical significance of this variant is uncertain due to the absence of conclusive functional and genetic evidence.

Labcorp Genetics (formerly Invitae), Labcorp
Classification: Likely benign for Alagille syndrome due to a JAG1 point mutation. Last evaluated: 2025-04-10. Review status: criteria provided, single submitter. Criteria: Invitae Variant Classification Sherloc (09022015). Collection method: clinical testing. Allele origin: germline.

Ambry Genetics
Classification: Uncertain significance for Cardiovascular phenotype. Last evaluated: 2023-06-29. Review status: criteria provided, single submitter. Criteria: Ambry Variant Classification Scheme 2023. Collection method: clinical testing. Allele origin: germline.

NM_000214.3(JAG1):c.3325G>A (p.Asp1109Asn)

Gene: JAG1 (jagged canonical Notch ligand 1; minus strand). Cytogenetic location: 20p12.2.
Variant type: single nucleotide variant.
Coding change: c.3325G>A on transcript NM_000214.3 (MANE Select); coding-DNA position 3325, G replaced by A.
Protein change: p.Asp1109Asn; replaces aspartic acid 1109 with asparagine.
Molecular consequence: missense variant.
Genome position (GRCh38, 1-based): chr20:10,639,830, C>T on the plus strand (G>A on the coding strand, the complement: JAG1 is on the minus strand). VCF-style: chr20-10639830-C-T. GRCh37 (hg19) VCF-style: chr20-10620478-C-T.
Other names: short protein forms D1109N.
Identifiers: ClinVar variation 2608577 (VCV002608577.4), dbSNP rs1044765003, ClinGen allele CA311367476.